The following is an entry in ClinVar:

NM_001458.5(FLNC):c.5724CAA[1] (p.Asn1909del)

Genes: FLNC (filamin C; plus strand), FLNC-AS1 (FLNC antisense RNA 1; minus strand). Cytogenetic location: 7q32.1.
Variant type: Microsatellite.
Coding change: c.5724CAA[1] on transcript NM_001458.5 (MANE Select); one copy of the 3-base unit CAA starting at c.5724; the reference has two copies in a row; one copy, 3 bases deleted; also written c.5727_5729del.
Protein change: p.Asn1909del; deletes asparagine 1909.
Molecular consequence: inframe deletion.
Genome position (GRCh38, 1-based): chr7:128,851,513-128,851,515, CAA deleted; deleting any 3 consecutive bases within chr7:128,851,509-128,851,515 gives the same sequence; the position shown is the placement nearest the transcript's 3' end. VCF-style (leftmost placement, unchanged base first): chr7-128851508-GACA-G. GRCh37 (hg19) VCF-style: chr7-128491562-GACA-G.
Other names: c.5625CAA[1], p.Asn1876del (NM_001127487.2); c.5727_5729del (NM_001458.4); short protein forms N1876del, N1909del.
Identifiers: ClinVar variation 836555 (VCV000836555.11), dbSNP rs780830196, ClinGen allele CA4475764.

ClinVar aggregate classification (germline): Uncertain significance. Review status: criteria provided, multiple submitters, no conflicts (2 of 4 stars). 2 submissions from 2 submitters: Uncertain significance (2). Last evaluated 2025-11-25.

Conditions:
Myofibrillar myopathy 5. Also called: FILAMINOPATHY, AUTOSOMAL DOMINANT; Filaminopathy (type). Identifiers: Orphanet 171445, MedGen C1836050, MONDO:0012289, OMIM 609524.
Hypertrophic cardiomyopathy 26. Also called: Cardiomyopathy, familial hypertrophic, 26. Identifiers: Orphanet 75249, MedGen C4310749, MONDO:0014883, OMIM 617047.
Distal myopathy with posterior leg and anterior hand involvement. Also called: WILLIAMS DISTAL MYOPATHY. Identifiers: Orphanet 63273, MedGen C3279722, MONDO:0013550, OMIM 614065.

Submissions (2):

Labcorp Genetics (formerly Invitae), Labcorp
Classification: Uncertain significance for Distal myopathy with posterior leg and anterior hand involvement; Myofibrillar myopathy 5; Hypertrophic cardiomyopathy 26. Last evaluated: 2025-11-25. Review status: criteria provided, single submitter. Criteria: Invitae Variant Classification Sherloc (09022015). Collection method: clinical testing. Allele origin: germline.
Comment: This variant, c.5727_5729del, results in the deletion of 1 amino acid(s) of the FLNC protein (p.Asn1909del), but otherwise preserves the integrity of the reading frame. This variant is present in population databases (rs780830196, gnomAD 0.0009%). This variant has not been reported in the literature in individuals affected with FLNC-related conditions. ClinVar contains an entry for this variant (Variation ID: 836555). Experimental studies and prediction algorithms are not available or were not evaluated, and the functional significance of this variant is currently unknown. In summary, the available evidence is currently insufficient to determine the role of this variant in disease. Therefore, it has been classified as a Variant of Uncertain Significance.

Blueprint Genetics
Classification: Uncertain significance. Last evaluated: 2020-03-23. Review status: criteria provided, single submitter. Criteria: ACMG Guidelines, 2015. Collection method: clinical testing. Allele origin: germline.